The following is an entry in ClinVar:

NM_000179.3(MSH6):c.4001+5C>G

Gene: MSH6 (mutS homolog 6; plus strand). Cytogenetic location: 2p16.3.
Variant type: single nucleotide variant.
Coding change: c.4001+5C>G on transcript NM_000179.3 (MANE Select); 5 bases into the intron after coding-DNA position 4001, C replaced by G.
Molecular consequence: intron variant.
Genome position (GRCh38, 1-based): chr2:47,806,656, C>G. VCF-style: chr2-47806656-C-G. GRCh37 (hg19) VCF-style: chr2-48033795-C-G.
Other names: c.3095+5C>G (NM_001281493.2, NM_001281494.2); c.3611+5C>G (NM_001281492.2).
Identifiers: ClinVar variation 185601 (VCV000185601.19), dbSNP rs786202305, ClinGen allele CA015172.

ClinVar aggregate classification (germline): Conflicting classifications of pathogenicity. Review status: criteria provided, conflicting classifications (1 of 4 stars). 5 submissions from 5 submitters: Uncertain significance (3); Likely benign (2). Last evaluated 2025-07-03.

Conditions:
Hereditary cancer-predisposing syndrome. Also called: Hereditary neoplastic syndrome; Neoplastic Syndromes, Hereditary; Tumor predisposition; Hereditary Cancer Syndrome. Identifiers: Orphanet 140162, MedGen C0027672, MeSH D009386, MONDO:0015356.
Hereditary nonpolyposis colorectal neoplasms. Identifiers: MedGen C0009405, MeSH D003123.
Lynch syndrome 5 (LYNCH5). Also called: Hereditary non-polyposis colorectal cancer, type 5; Colorectal cancer, hereditary nonpolyposis, type 5. Identifiers: Orphanet 144, MedGen C1833477, MONDO:0013710, OMIM 614350. Disease mechanism: loss of function.

Submissions (5):

Color Diagnostics, LLC DBA Color Health
Classification: Uncertain significance for Hereditary cancer-predisposing syndrome. Last evaluated: 2025-07-03. Review status: criteria provided, single submitter. Criteria: ACMG Guidelines, 2015. Collection method: clinical testing. Allele origin: germline.
Comment: This variant causes a C to G nucleotide substitution at the +5 position of intron 9 of the MSH6 gene. To our knowledge, functional studies have not been reported for this variant. This variant has not been reported in individuals affected with hereditary cancer in the literature. This variant has not been identified in the general population by the Genome Aggregation Database (gnomAD). The available evidence is insufficient to determine the role of this variant in disease conclusively. Therefore, this variant is classified as a Variant of Uncertain Significance.

Labcorp Genetics (formerly Invitae), Labcorp
Classification: Uncertain significance for Hereditary nonpolyposis colorectal neoplasms. Last evaluated: 2025-04-28. Review status: criteria provided, single submitter. Criteria: Invitae Variant Classification Sherloc (09022015). Collection method: clinical testing. Allele origin: germline.
Comment: This sequence change falls in intron 9 of the MSH6 gene. It does not directly change the encoded amino acid sequence of the MSH6 protein. It affects a nucleotide within the consensus splice site. This variant is not present in population databases (gnomAD no frequency). This variant has not been reported in the literature in individuals affected with MSH6-related conditions. ClinVar contains an entry for this variant (Variation ID: 185601). Variants that disrupt the consensus splice site are a relatively common cause of aberrant splicing (PMID: 17576681, 9536098). Algorithms developed to predict the effect of sequence changes on RNA splicing suggest that this variant is not likely to affect RNA splicing. In summary, the available evidence is currently insufficient to determine the role of this variant in disease. Therefore, it has been classified as a Variant of Uncertain Significance.

Myriad Genetics, Inc.
Classification: Likely benign for Lynch syndrome 5. Last evaluated: 2025-01-08. Review status: criteria provided, single submitter. Criteria: Myriad Autosomal Dominant, Autosomal Recessive and X-Linked Classification Criteria (2023). Collection method: clinical testing. Allele origin: unknown.
Comment: This variant is considered likely benign. This variant is intronic and is not expected to impact mRNA splicing.

Ambry Genetics
Classification: Uncertain significance for Hereditary cancer-predisposing syndrome. Last evaluated: 2023-09-21. Review status: criteria provided, single submitter. Criteria: Ambry Variant Classification Scheme 2023. Collection method: clinical testing. Allele origin: germline.
Comment: The c.4001+5C>G intronic variant results from a C to G substitution 5 nucleotides after coding exon 9 in the MSH6 gene. This nucleotide position is poorly conserved in available vertebrate species. In silico splice site analysis predicts that this alteration will not have any significant effect on splicing. Since supporting evidence is limited at this time, the clinical significance of this alteration remains unclear.

GeneDx
Classification: Likely benign. Last evaluated: 2017-07-12. Review status: criteria provided, single submitter. Criteria: GeneDx Variant Classification (06012015). Collection method: clinical testing. Allele origin: germline. Affected: yes.
Comment: This variant is considered likely benign or benign based on one or more of the following criteria: it is a conservative change, it occurs at a poorly conserved position in the protein, it is predicted to be benign by multiple in silico algorithms, and/or has population frequency not consistent with disease.

Literature cited by the submitters: PubMed 17576681 (cited by Labcorp Genetics (formerly Invitae), Labcorp); PubMed 9536098 (cited by Labcorp Genetics (formerly Invitae), Labcorp).